The following is an entry in ClinVar:

NM_000163.5(GHR):c.512T>C (p.Ile171Thr)

Gene: GHR (growth hormone receptor; plus strand). Cytogenetic location: 5p12.
Variant type: single nucleotide variant.
Coding change: c.512T>C on transcript NM_000163.5 (MANE Select); coding-DNA position 512, T replaced by C.
Protein change: p.Ile171Thr; replaces isoleucine 171 with threonine.
Molecular consequence: missense variant.
Genome position (GRCh38, 1-based): chr5:42,699,896, T>C. VCF-style: chr5-42699896-T-C. GRCh37 (hg19) VCF-style: chr5-42699998-T-C.
Other names: I153T; c.533T>C, p.Ile178Thr (NM_001242399.2); c.512T>C, p.Ile171Thr (NM_001242400.2, NM_001242401.4, NM_001242402.2 and 5 more transcripts); c.446T>C, p.Ile149Thr (NM_001242460.2); short protein forms I171T, I178T, I149T.
Identifiers: ClinVar variation 8654 (VCV000008654.3), dbSNP rs121909367, ClinGen allele CA119812.

ClinVar aggregate classification (germline): Conflicting classifications of pathogenicity. Review status: criteria provided, conflicting classifications (1 of 4 stars). 3 submissions from 3 submitters: Likely pathogenic (1); Uncertain significance (1). 1 of the submissions does not count toward it. Last evaluated 2025-12-01.

Conditions:
Laron-type isolated somatotropin defect. Also called: GROWTH HORMONE RECEPTOR DEFICIENCY; Laron Syndrome; Growth hormone binding protein deficiency or dysfunction; Growth hormone receptor deficiency or dysfunction; Laron dwarfism; Laron type pituitary dwarfism I. Identifiers: Orphanet 633, MedGen C0271568, MONDO:0009877, OMIM 262500.

gnomAD v4.1: 5 of 1,605,600 alleles (0.00031%); highest among the groups gnomAD compares: Non-Finnish European, 0.00043%; no homozygotes.

Submissions (3):

Labcorp Genetics (formerly Invitae), Labcorp
Classification: Uncertain significance. Last evaluated: 2025-12-01. Review status: criteria provided, single submitter. Criteria: Invitae Variant Classification Sherloc (09022015). Collection method: clinical testing. Allele origin: germline.
Comment: This sequence change replaces isoleucine, which is neutral and non-polar, with threonine, which is neutral and polar, at codon 171 of the GHR protein (p.Ile171Thr). This variant is not present in population databases (gnomAD no frequency). This missense change has been observed in individual(s) with Laron dwarfism (PMID: 9851797). This variant is also known as I153T. ClinVar contains an entry for this variant (Variation ID: 8654). Invitae Evidence Modeling of protein sequence and biophysical properties (such as structural, functional, and spatial information, amino acid conservation, physicochemical variation, residue mobility, and thermodynamic stability) has been performed for this missense variant. However, the output from this modeling did not meet the statistical confidence thresholds required to predict the impact of this variant on GHR protein function. Experimental studies have shown that this missense change affects GHR function (PMID: 9851797). In summary, the available evidence is currently insufficient to determine the role of this variant in disease. Therefore, it has been classified as a Variant of Uncertain Significance.

GeneDx
Classification: Likely pathogenic. Last evaluated: 2023-08-16. Review status: criteria provided, single submitter. Criteria: GeneDx Variant Classification Process June 2021. Collection method: clinical testing. Allele origin: germline. Affected: yes.
Comment: Variant reported in trans with an exon 9 deletion in a patient with growth hormone insensitivity, whose mother was heterozygous for the variant and 25-50% height in the published literature (Wojcik et al., 1998; Gastier et al., 2000); Published functional study demonstrates a damaging effect; variant causes abnormal trafficking (Wojcik et al., 1998); Not observed in large population cohorts (gnomAD); In silico analysis supports that this missense variant does not alter protein structure/function; This variant is associated with the following publications: (PMID: 11013443, 9851797)

OMIM
Classification: Pathogenic for LARON SYNDROME. Last evaluated: 1998-12-01. Review status: no assertion criteria provided. Collection method: literature only. Allele origin: germline. Not counted in ClinVar's aggregate classification.

Literature cited by the submitters: PubMed 9851797 (cited by Labcorp Genetics (formerly Invitae), Labcorp and OMIM).